The following is an entry in ClinVar:

ClinVar aggregate classification (germline): Likely benign. Review status: criteria provided, multiple submitters, no conflicts (2 of 4 stars). 3 submissions from 3 submitters: Likely benign (3). Last evaluated 2026-07-01.

Conditions:
Baller-Gerold syndrome (BGS). Also called: CRANIOSYNOSTOSIS WITH RADIAL DEFECTS. Identifiers: Orphanet 1225, MedGen C0265308, MONDO:0009039, OMIM 218600.
Inborn genetic diseases. Identifiers: MedGen C0950123, MeSH D030342.

Allele frequency attached by ClinVar (database versions not stated): TOPMed 0.00004.
gnomAD v4.1: 70 of 1,612,250 alleles (0.0043%); highest among the groups gnomAD compares: Non-Finnish European, 0.0057%; no homozygotes.

Submissions (3):

CeGaT Center for Human Genetics Tuebingen
Classification: Likely benign. Last evaluated: 2026-07-01. Review status: criteria provided, single submitter. Criteria: CeGaT Center For Human Genetics Tuebingen Variant Classification Criteria Version 2. Collection method: clinical testing. Allele origin: germline. Affected: yes. Observed: 4 variant alleles.
Comment: RECQL4: BP4, BP7

Labcorp Genetics (formerly Invitae), Labcorp
Classification: Likely benign for Baller-Gerold syndrome. Last evaluated: 2025-12-15. Review status: criteria provided, single submitter. Criteria: Invitae Variant Classification Sherloc (09022015). Collection method: clinical testing. Allele origin: germline.

Ambry Genetics
Classification: Likely benign for Inborn genetic diseases. Last evaluated: 2024-11-24. Review status: criteria provided, single submitter. Criteria: Ambry Variant Classification Scheme 2023. Collection method: clinical testing. Allele origin: germline.

NM_004260.4(RECQL4):c.291C>T (p.Ser97=)

Gene: RECQL4 (RecQ like helicase 4; minus strand). Cytogenetic location: 8q24.3.
Variant type: single nucleotide variant.
Coding change: c.291C>T on transcript NM_004260.4 (MANE Select); coding-DNA position 291, C replaced by T.
Protein change: p.Ser97=; no amino-acid change (serine 97 retained).
Molecular consequence: synonymous variant.
Genome position (GRCh38, 1-based): chr8:144,517,113, G>A on the plus strand (C>T on the coding strand, the complement: RECQL4 is on the minus strand). VCF-style: chr8-144517113-G-A. GRCh37 (hg19) VCF-style: chr8-145742497-G-A.
Identifiers: ClinVar variation 700314 (VCV000700314.23), dbSNP rs762806249, ClinGen allele CA4949395.